The following is an entry in ClinVar:

ClinVar aggregate classification (germline): Uncertain significance (1 of 4 stars; one submission).

Conditions:
Mitochondrial trifunctional protein deficiency. Identifiers: Orphanet 746, MedGen C1969443, MONDO:0012172.
Long chain 3-hydroxyacyl-CoA dehydrogenase deficiency. Also called: Deficiency of long-chain 3-hydroxyacyl-coenzyme A dehydrogenase; LCHAD Deficiency. Identifiers: Orphanet 5, MedGen C3711645, MONDO:0012173, OMIM 609016.

Allele frequency attached by ClinVar (database versions not stated): TOPMed 0.00001.
gnomAD v4.1: 8 of 1,613,632 alleles (0.0005%); highest among the groups gnomAD compares: African/African-American, 0.0027%; no homozygotes.

Submission:

Labcorp Genetics (formerly Invitae), Labcorp
Classification: Uncertain significance for Mitochondrial trifunctional protein deficiency; Long chain 3-hydroxyacyl-CoA dehydrogenase deficiency. Last evaluated: 2021-12-21. Review status: criteria provided, single submitter. Criteria: Invitae Variant Classification Sherloc (09022015). Collection method: clinical testing. Allele origin: germline.
Comment: This sequence change replaces arginine, which is basic and polar, with histidine, which is basic and polar, at codon 208 of the HADHA protein (p.Arg208His). This variant is not present in population databases (gnomAD no frequency). This variant has not been reported in the literature in individuals affected with HADHA-related conditions. Advanced modeling of protein sequence and biophysical properties (such as structural, functional, and spatial information, amino acid conservation, physicochemical variation, residue mobility, and thermodynamic stability) performed at Invitae indicates that this missense variant is not expected to disrupt HADHA protein function. In summary, the available evidence is currently insufficient to determine the role of this variant in disease. Therefore, it has been classified as a Variant of Uncertain Significance.

NM_000182.5(HADHA):c.623G>A (p.Arg208His)

Gene: HADHA (hydroxyacyl-CoA dehydrogenase trifunctional multienzyme complex subunit alpha; minus strand). Cytogenetic location: 2p23.3.
Variant type: single nucleotide variant.
Coding change: c.623G>A on transcript NM_000182.5 (MANE Select); coding-DNA position 623, G replaced by A.
Protein change: p.Arg208His; replaces arginine 208 with histidine.
Molecular consequence: missense variant.
Genome position (GRCh38, 1-based): chr2:26,230,245, C>T on the plus strand (G>A on the coding strand, the complement: HADHA is on the minus strand). VCF-style: chr2-26230245-C-T. GRCh37 (hg19) VCF-style: chr2-26453113-C-T.
Other names: short protein forms R208H.
Identifiers: ClinVar variation 1900482 (VCV001900482.2), dbSNP rs767488071, ClinGen allele CA346092362.